The following is an entry in ClinVar:

ClinVar aggregate classification (germline): Uncertain significance (1 of 4 stars; one submission).

Submission:

CeGaT Center for Human Genetics Tuebingen
Classification: Uncertain significance. Last evaluated: 2024-06-01. Review status: criteria provided, single submitter. Criteria: CeGaT Center For Human Genetics Tuebingen Variant Classification Criteria Version 2. Collection method: clinical testing. Allele origin: germline. Affected: yes. Observed: 1 variant allele.
Comment: NOD2: PM2, PM5

NM_001370466.1(NOD2):c.1678_1680delinsTGG (p.Arg560Trp)

Gene: NOD2 (nucleotide binding oligomerization domain containing 2; plus strand). Cytogenetic location: 16q12.1.
Variant type: Indel.
Coding change: c.1678_1680delinsTGG on transcript NM_001370466.1 (MANE Select); coding-DNA positions 1678 to 1680, CGT replaced by TGG.
Protein change: p.Arg560Trp; replaces arginine 560 with tryptophan.
Molecular consequence: missense variant. On other transcripts: non-coding transcript variant (1).
Genome position (GRCh38, 1-based): chr16:50,711,670-50,711,672, CGT replaced by TGG. VCF-style: chr16-50711670-CGT-TGG. GRCh37 (hg19) VCF-style: chr16-50745581-CGT-TGG.
Other names: c.1678_1680delinsTGG, p.Arg560Trp (NM_001293557.2); c.1759_1761delinsTGG, p.Arg587Trp (NM_022162.3); short protein forms R560W, R587W.
Identifiers: ClinVar variation 3251231 (VCV003251231.18), dbSNP rs2506421817.